The following is an entry in ClinVar:

ClinVar aggregate classification (germline): Uncertain significance (1 of 4 stars; one submission).

Conditions:
Norman-Roberts syndrome (LIS2). Also called: Lissencephaly 2 (Norman-Roberts type). Identifiers: Orphanet 89844, MedGen C0796089, MONDO:0009760, OMIM 257320.
Familial temporal lobe epilepsy 7. Identifiers: Orphanet 101046, MedGen C4225327, MONDO:0014639, OMIM 616436.

Submission:

Labcorp Genetics (formerly Invitae), Labcorp
Classification: Uncertain significance for Familial temporal lobe epilepsy 7; Norman-Roberts syndrome. Last evaluated: 2025-04-30. Review status: criteria provided, single submitter. Criteria: Invitae Variant Classification Sherloc (09022015). Collection method: clinical testing. Allele origin: germline.
Comment: This sequence change replaces tyrosine, which is neutral and polar, with histidine, which is basic and polar, at codon 1133 of the RELN protein (p.Tyr1133His). This variant is not present in population databases (gnomAD no frequency). This variant has not been reported in the literature in individuals affected with RELN-related conditions. Invitae Evidence Modeling of protein sequence and biophysical properties (such as structural, functional, and spatial information, amino acid conservation, physicochemical variation, residue mobility, and thermodynamic stability) has been performed for this missense variant. However, the output from this modeling did not meet the statistical confidence thresholds required to predict the impact of this variant on RELN protein function. In summary, the available evidence is currently insufficient to determine the role of this variant in disease. Therefore, it has been classified as a Variant of Uncertain Significance.

NM_005045.4(RELN):c.3397T>C (p.Tyr1133His)

Gene: RELN (reelin; minus strand). Cytogenetic location: 7q22.1.
Variant type: single nucleotide variant.
Coding change: c.3397T>C on transcript NM_005045.4 (MANE Select); coding-DNA position 3397, T replaced by C.
Protein change: p.Tyr1133His; replaces tyrosine 1133 with histidine.
Molecular consequence: missense variant.
Genome position (GRCh38, 1-based): chr7:103,596,598, A>G on the plus strand (T>C on the coding strand, the complement: RELN is on the minus strand). VCF-style: chr7-103596598-A-G. GRCh37 (hg19) VCF-style: chr7-103237045-A-G.
Other names: c.3397T>C, p.Tyr1133His (NM_173054.3); short protein forms Y1133H.
Identifiers: ClinVar variation 4782860 (VCV004782860.1).